The following is an entry in ClinVar:

NM_177438.3(DICER1):c.1789G>A (p.Gly597Ser)

Gene: DICER1 (dicer 1, ribonuclease III; minus strand). Cytogenetic location: 14q32.13.
Variant type: single nucleotide variant.
Coding change: c.1789G>A on transcript NM_177438.3 (MANE Select); coding-DNA position 1789, G replaced by A.
Protein change: p.Gly597Ser; replaces glycine 597 with serine.
Molecular consequence: missense variant.
Genome position (GRCh38, 1-based): chr14:95,115,785, C>T on the plus strand (G>A on the coding strand, the complement: DICER1 is on the minus strand). VCF-style: chr14-95115785-C-T. GRCh37 (hg19) VCF-style: chr14-95582122-C-T.
Other names: c.1789G>A, p.Gly597Ser (NM_001195573.1, NM_001271282.3, NM_001291628.2 and 1 more transcripts); short protein forms G597S.
Identifiers: ClinVar variation 543601 (VCV000543601.9), dbSNP rs1277436466, ClinGen allele CA390884129.

ClinVar aggregate classification (germline): Uncertain significance. Review status: criteria provided, multiple submitters, no conflicts (2 of 4 stars). 2 submissions from 2 submitters: Uncertain significance (2). Last evaluated 2025-12-28.

Conditions:
DICER1-related tumor predisposition. Also called: DICER1-related pleuropulmonary blastoma cancer predisposition syndrome; DICER1 syndrome. Identifiers: Orphanet 284343, MedGen C3839822, MONDO:0100216.
Hereditary cancer-predisposing syndrome. Also called: Neoplastic Syndromes, Hereditary; Tumor predisposition; Hereditary Cancer Syndrome; Hereditary neoplastic syndrome. Identifiers: Orphanet 140162, MedGen C0027672, MeSH D009386, MONDO:0015356.

Allele frequency attached by ClinVar (database versions not stated): gnomAD exomes below 0.00001; TOPMed 0.00001.
gnomAD v4.1: 2 of 1,614,134 alleles (0.00012%); highest among the groups gnomAD compares: East Asian, 0.0045%; no homozygotes.

Submissions (2):

Labcorp Genetics (formerly Invitae), Labcorp
Classification: Uncertain significance for DICER1-related tumor predisposition. Last evaluated: 2025-12-28. Review status: criteria provided, single submitter. Criteria: Invitae Variant Classification Sherloc (09022015). Collection method: clinical testing. Allele origin: germline.
Comment: This sequence change replaces glycine, which is neutral and non-polar, with serine, which is neutral and polar, at codon 597 of the DICER1 protein (p.Gly597Ser). This variant is present in population databases (no rsID available, gnomAD 0.006%). This variant has not been reported in the literature in individuals affected with DICER1-related conditions. ClinVar contains an entry for this variant (Variation ID: 543601). Invitae Evidence Modeling of protein sequence and biophysical properties (such as structural, functional, and spatial information, amino acid conservation, physicochemical variation, residue mobility, and thermodynamic stability) indicates that this missense variant is not expected to disrupt DICER1 protein function with a negative predictive value of 95%. In summary, the available evidence is currently insufficient to determine the role of this variant in disease. Therefore, it has been classified as a Variant of Uncertain Significance.

Ambry Genetics
Classification: Uncertain significance for Hereditary cancer-predisposing syndrome. Last evaluated: 2023-09-10. Review status: criteria provided, single submitter. Criteria: Ambry Variant Classification Scheme 2023. Collection method: clinical testing. Allele origin: germline.
Comment: The p.G597S variant (also known as c.1789G>A), located in coding exon 10 of the DICER1 gene, results from a G to A substitution at nucleotide position 1789. The glycine at codon 597 is replaced by serine, an amino acid with similar properties. This amino acid position is conserved. In addition, this alteration is predicted to be tolerated by in silico analysis. Since supporting evidence is limited at this time, the clinical significance of this alteration remains unclear.